The following is an entry in ClinVar:

NM_004370.6(COL12A1):c.4316C>T (p.Thr1439Ile)

Gene: COL12A1 (collagen type XII alpha 1 chain; minus strand). Cytogenetic location: 6q13.
Variant type: single nucleotide variant.
Coding change: c.4316C>T on transcript NM_004370.6 (MANE Select); coding-DNA position 4316, C replaced by T.
Protein change: p.Thr1439Ile; replaces threonine 1439 with isoleucine.
Molecular consequence: missense variant.
Genome position (GRCh38, 1-based): chr6:75,147,776, G>A on the plus strand (C>T on the coding strand, the complement: COL12A1 is on the minus strand). VCF-style: chr6-75147776-G-A. GRCh37 (hg19) VCF-style: chr6-75857492-G-A.
Other names: c.4316C>T, p.Thr1439Ile (NM_001424113.1, NM_001424114.1); c.4043C>T, p.Thr1348Ile (NM_001424115.1); c.824C>T, p.Thr275Ile (NM_001424116.1, NM_080645.3); short protein forms T1439I, T275I, T1348I.
Identifiers: ClinVar variation 2936515 (VCV002936515.3), dbSNP rs1479146429, ClinGen allele CA364744727.

ClinVar aggregate classification (germline): Uncertain significance (1 of 4 stars; one submission).

Conditions:
Ullrich congenital muscular dystrophy 2 (UCMD2). Identifiers: Orphanet 75840, MedGen C4225314, MONDO:0014654, OMIM 616470.
Bethlem myopathy 2 (BTHLM2). Identifiers: Orphanet 536516, Orphanet 610, MedGen C4225313, MONDO:0034022, OMIM 616471.

Allele frequency attached by ClinVar (database versions not stated): gnomAD exomes below 0.00001.
gnomAD v4.1: 2 of 1,613,270 alleles (0.00012%); highest among the groups gnomAD compares: Admixed American, 0.0033%; no homozygotes.

Submission:

Labcorp Genetics (formerly Invitae), Labcorp
Classification: Uncertain significance for Bethlem myopathy 2; Ullrich congenital muscular dystrophy 2. Last evaluated: 2024-06-17. Review status: criteria provided, single submitter. Criteria: Invitae Variant Classification Sherloc (09022015). Collection method: clinical testing. Allele origin: germline.
Comment: This sequence change replaces threonine, which is neutral and polar, with isoleucine, which is neutral and non-polar, at codon 1439 of the COL12A1 protein (p.Thr1439Ile). This variant is present in population databases (no rsID available, gnomAD 0.003%). This variant has not been reported in the literature in individuals affected with COL12A1-related conditions. Advanced modeling of protein sequence and biophysical properties (such as structural, functional, and spatial information, amino acid conservation, physicochemical variation, residue mobility, and thermodynamic stability) performed at Invitae indicates that this missense variant is not expected to disrupt COL12A1 protein function with a negative predictive value of 80%. In summary, the available evidence is currently insufficient to determine the role of this variant in disease. Therefore, it has been classified as a Variant of Uncertain Significance.